The following is an entry in ClinVar:

ClinVar aggregate classification (germline): Uncertain significance. Review status: criteria provided, multiple submitters, no conflicts (2 of 4 stars). 2 submissions from 2 submitters: Uncertain significance (2). Last evaluated 2025-08-03.

Allele frequency attached by ClinVar (database versions not stated): gnomAD 0.00001; gnomAD exomes 0.00001 and 0.00002; TOPMed 0.00002; ExAC 0.00003; ESP Exome Variant Server 0.00008.
gnomAD v4.1: 18 of 1,613,826 alleles (0.0011%); highest among the groups gnomAD compares: Non-Finnish European, 0.0015%; no homozygotes.

Submissions (2):

Ambry Genetics
Classification: Uncertain significance. Last evaluated: 2025-08-03. Review status: criteria provided, single submitter. Criteria: Ambry Variant Classification Scheme 2023. Collection method: clinical testing. Allele origin: germline.

Labcorp Genetics (formerly Invitae), Labcorp
Classification: Uncertain significance. Last evaluated: 2024-10-17. Review status: criteria provided, single submitter. Criteria: Invitae Variant Classification Sherloc (09022015). Collection method: clinical testing. Allele origin: germline.
Comment: This sequence change replaces leucine, which is neutral and non-polar, with arginine, which is basic and polar, at codon 854 of the TAOK2 protein (p.Leu854Arg). This variant is present in population databases (rs149357185, gnomAD 0.004%). This variant has not been reported in the literature in individuals affected with TAOK2-related conditions. ClinVar contains an entry for this variant (Variation ID: 1509842). An algorithm developed to predict the effect of missense changes on protein structure and function (PolyPhen-2) suggests that this variant is likely to be tolerated. In summary, the available evidence is currently insufficient to determine the role of this variant in disease. Therefore, it has been classified as a Variant of Uncertain Significance.

NM_016151.4(TAOK2):c.2561T>G (p.Leu854Arg)

Gene: TAOK2 (TAO kinase 2; plus strand). Cytogenetic location: 16p11.2.
Variant type: single nucleotide variant.
Coding change: c.2561T>G on transcript NM_016151.4 (MANE Select); coding-DNA position 2561, T replaced by G.
Protein change: p.Leu854Arg; replaces leucine 854 with arginine.
Molecular consequence: missense variant. On other transcripts: intron variant (2).
Genome position (GRCh38, 1-based): chr16:29,986,833, T>G. VCF-style: chr16-29986833-T-G. GRCh37 (hg19) VCF-style: chr16-29998154-T-G.
Other names: c.2561T>G (NM_016151.2); c.2232+329T>G (NM_004783.4); c.2233-11T>G (NM_001252043.2); short protein forms L854R.
Identifiers: ClinVar variation 1509842 (VCV001509842.7), dbSNP rs149357185, ClinGen allele CA7998413.